The following is an entry in ClinVar:

ClinVar aggregate classification (germline): Likely benign. Review status: criteria provided, multiple submitters, no conflicts (2 of 4 stars). 3 submissions from 3 submitters: Likely benign (2). 1 of the submissions does not count toward it. Last evaluated 2025-07-29.

Conditions:
GNAI3-related disorder. Also called: GNAI3-related condition.

Allele frequency attached by ClinVar (database versions not stated): gnomAD exomes 0.00023; ExAC 0.00027; ESP Exome Variant Server 0.00069; TOPMed 0.00086; gnomAD 0.00090 and 0.00098; 1000 Genomes Project 0.00120; 1000 Genomes Project 30x 0.00125.

Submissions (3):

Labcorp Genetics (formerly Invitae), Labcorp
Classification: Likely benign. Last evaluated: 2025-07-29. Review status: criteria provided, single submitter. Criteria: Invitae Variant Classification Sherloc (09022015). Collection method: clinical testing. Allele origin: germline.

Breakthrough Genomics
Classification: Likely benign. Review status: criteria provided, single submitter. Criteria: ACMG Guidelines, 2015. Collection method: not provided. Allele origin: germline. Inheritance: Autosomal dominant inheritance. Affected: yes.

PreventionGenetics, part of Exact Sciences
Classification: Likely benign for GNAI3-related condition. Last evaluated: 2019-07-10. Review status: no assertion criteria provided. Collection method: clinical testing. Allele origin: germline. Not counted in ClinVar's aggregate classification.
Comment: This variant is classified as likely benign based on ACMG/AMP sequence variant interpretation guidelines (Richards et al. 2015 PMID: 25741868, with internal and published modifications).

NM_006496.4(GNAI3):c.269G>A (p.Arg90Gln)

Gene: GNAI3 (G protein subunit alpha i3; plus strand). Cytogenetic location: 1p13.3.
Variant type: single nucleotide variant.
Coding change: c.269G>A on transcript NM_006496.4 (MANE Select); coding-DNA position 269, G replaced by A.
Protein change: p.Arg90Gln; replaces arginine 90 with glutamine.
Molecular consequence: missense variant.
Genome position (GRCh38, 1-based): chr1:109,574,003, G>A. VCF-style: chr1-109574003-G-A. GRCh37 (hg19) VCF-style: chr1-110116625-G-A.
Other names: short protein forms R90Q.
Identifiers: ClinVar variation 740509 (VCV000740509.8), dbSNP rs138850957, ClinGen allele CA992019.